The following is an entry in ClinVar:

NM_002148.4(HOXD10):c.*585C>T

Gene: HOXD10 (homeobox D10; plus strand). Cytogenetic location: 2q31.1.
Variant type: single nucleotide variant.
Coding change: c.*585C>T on transcript NM_002148.4 (MANE Select); 585 bases downstream of the stop codon, C replaced by T.
Molecular consequence: 3 prime UTR variant.
Genome position (GRCh38, 1-based): chr2:176,119,816, C>T. VCF-style: chr2-176119816-C-T. GRCh37 (hg19) VCF-style: chr2-176984544-C-T.
Identifiers: ClinVar variation 332507 (VCV000332507.6), dbSNP rs72923454, ClinGen allele CA10611957.

ClinVar aggregate classification (germline): Benign. Review status: criteria provided, multiple submitters, no conflicts (2 of 4 stars). 2 submissions from 2 submitters: Benign (2). Last evaluated 2018-01-13.

Conditions:
Congenital vertical talus. Also called: PES VALGUS, CONGENITAL CONVEX; Rocker-bottom foot deformity. Identifiers: Orphanet 178382, MedGen C0240912, MONDO:0008652, OMIM 192950, HP:0001838.

Allele frequency attached by ClinVar (database versions not stated): 1000 Genomes Project 30x 0.00718; 1000 Genomes Project 0.00739; TOPMed 0.01314; gnomAD 0.01635 and 0.01649; gnomAD exomes 0.04566.

Submissions (2):

Illumina Laboratory Services, Illumina
Classification: Benign for Congenital vertical talus. Last evaluated: 2018-01-13. Review status: criteria provided, single submitter. Criteria: ICSL Variant Classification Criteria 13 December 2019. Collection method: clinical testing. Allele origin: germline.
Comment: This variant was observed in the ICSL laboratory as part of a predisposition screen in an ostensibly healthy population. It had not been previously curated by ICSL or reported in the Human Gene Mutation Database (HGMD: prior to June 1st, 2018), and was therefore a candidate for classification through an automated scoring system. Utilizing variant allele frequency, disease prevalence and penetrance estimates, and inheritance mode, an automated score was calculated to assess if this variant is too frequent to cause the disease. Based on the score and internal cut-off values, a variant classified as benign is not then subjected to further curation. The score for this variant resulted in a classification of benign for this disease.

Breakthrough Genomics
Classification: Benign. Review status: criteria provided, single submitter. Criteria: ACMG Guidelines, 2015. Collection method: not provided. Allele origin: germline. Inheritance: Autosomal dominant inheritance. Affected: yes.